The following is an entry in ClinVar:

ClinVar aggregate classification (germline): Uncertain significance. Review status: criteria provided, multiple submitters, no conflicts (2 of 4 stars). 2 submissions from 2 submitters: Uncertain significance (2). Last evaluated 2024-09-30.

Conditions:
Inborn genetic diseases. Identifiers: MedGen C0950123, MeSH D030342.
Fanconi anemia (FA). Also called: Fanconi's anemia. Identifiers: Orphanet 84, MedGen C0015625, MeSH D005199, MONDO:0019391.

Allele frequency attached by ClinVar (database versions not stated): gnomAD 0.00001; TOPMed 0.00001.
gnomAD v4.1: 6 of 1,614,234 alleles (0.00037%); highest among the groups gnomAD compares: African/African-American, 0.0053%; no homozygotes.

Submissions (2):

Labcorp Genetics (formerly Invitae), Labcorp
Classification: Uncertain significance for Fanconi anemia. Last evaluated: 2024-09-30. Review status: criteria provided, single submitter. Criteria: Invitae Variant Classification Sherloc (09022015). Collection method: clinical testing. Allele origin: germline.
Comment: This sequence change replaces aspartic acid, which is acidic and polar, with tyrosine, which is neutral and polar, at codon 825 of the SLX4 protein (p.Asp825Tyr). This variant is not present in population databases (gnomAD no frequency). This variant has not been reported in the literature in individuals affected with SLX4-related conditions. ClinVar contains an entry for this variant (Variation ID: 2195008). An algorithm developed to predict the effect of missense changes on protein structure and function (PolyPhen-2) suggests that this variant is likely to be disruptive. In summary, the available evidence is currently insufficient to determine the role of this variant in disease. Therefore, it has been classified as a Variant of Uncertain Significance.

Ambry Genetics
Classification: Uncertain significance for Inborn genetic diseases. Last evaluated: 2022-06-24. Review status: criteria provided, single submitter. Criteria: Ambry Variant Classification Scheme 2023. Collection method: clinical testing. Allele origin: germline.

NM_032444.4(SLX4):c.2473G>T (p.Asp825Tyr)

Gene: SLX4 (SLX4 structure-specific endonuclease subunit; minus strand). Cytogenetic location: 16p13.3.
Variant type: single nucleotide variant.
Coding change: c.2473G>T on transcript NM_032444.4 (MANE Select); coding-DNA position 2473, G replaced by T.
Protein change: p.Asp825Tyr; replaces aspartic acid 825 with tyrosine.
Molecular consequence: missense variant.
Genome position (GRCh38, 1-based): chr16:3,591,165, C>A on the plus strand (G>T on the coding strand, the complement: SLX4 is on the minus strand). VCF-style: chr16-3591165-C-A. GRCh37 (hg19) VCF-style: chr16-3641166-C-A.
Other names: short protein forms D825Y.
Identifiers: ClinVar variation 2195008 (VCV002195008.5), dbSNP rs555913040, ClinGen allele CA276959391.